The following is an entry in ClinVar:

NM_000878.5(IL2RB):c.733G>A (p.Gly245Ser)

Gene: IL2RB (interleukin 2 receptor subunit beta; minus strand). Cytogenetic location: 22q12.3.
Variant type: single nucleotide variant.
Coding change: c.733G>A on transcript NM_000878.5 (MANE Select); coding-DNA position 733, G replaced by A.
Protein change: p.Gly245Ser; replaces glycine 245 with serine.
Molecular consequence: missense variant.
Genome position (GRCh38, 1-based): chr22:37,135,413, C>T on the plus strand (G>A on the coding strand, the complement: IL2RB is on the minus strand). VCF-style: chr22-37135413-C-T. GRCh37 (hg19) VCF-style: chr22-37531453-C-T.
Other names: c.733G>A, p.Gly245Ser (NM_001346222.1, NM_001346223.2); c.733G>A (NM_000878.2); short protein forms G245S.
Identifiers: ClinVar variation 2176349 (VCV002176349.2), dbSNP rs754692430, ClinGen allele CA10216534.

ClinVar aggregate classification (germline): Uncertain significance. Review status: criteria provided, multiple submitters, no conflicts (2 of 4 stars). 2 submissions from 2 submitters: Uncertain significance (2). Last evaluated 2023-12-18.

Allele frequency attached by ClinVar (database versions not stated): gnomAD exomes 0.00001; ExAC 0.00002; gnomAD 0.00007; TOPMed 0.00010.
gnomAD v4.1: 28 of 1,613,658 alleles (0.0017%); highest among the groups gnomAD compares: African/African-American, 0.019%; no homozygotes.

Submissions (2):

Ambry Genetics
Classification: Uncertain significance. Last evaluated: 2023-12-18. Review status: criteria provided, single submitter. Criteria: Ambry Variant Classification Scheme 2023. Collection method: clinical testing. Allele origin: germline.

Labcorp Genetics (formerly Invitae), Labcorp
Classification: Uncertain significance. Last evaluated: 2022-03-12. Review status: criteria provided, single submitter. Criteria: Invitae Variant Classification Sherloc (09022015). Collection method: clinical testing. Allele origin: germline.
Comment: This sequence change replaces glycine, which is neutral and non-polar, with serine, which is neutral and polar, at codon 245 of the IL2RB protein (p.Gly245Ser). This variant is present in population databases (rs754692430, gnomAD 0.01%). This variant has not been reported in the literature in individuals affected with IL2RB-related conditions. Algorithms developed to predict the effect of missense changes on protein structure and function output the following: SIFT: "Tolerated"; PolyPhen-2: "Benign"; Align-GVGD: "Class C0". The serine amino acid residue is found in multiple mammalian species, which suggests that this missense change does not adversely affect protein function. In summary, the available evidence is currently insufficient to determine the role of this variant in disease. Therefore, it has been classified as a Variant of Uncertain Significance.